The following is an entry in ClinVar:

ClinVar aggregate classification (germline): Uncertain significance (1 of 4 stars; one submission).

Allele frequency attached by ClinVar (database versions not stated): gnomAD 0.00001; gnomAD exomes 0.00001.
gnomAD v4.1: 6 of 1,599,034 alleles (0.00038%); highest among the groups gnomAD compares: Admixed American, 0.0085%; no homozygotes.

Submission:

Labcorp Genetics (formerly Invitae), Labcorp
Classification: Uncertain significance. Last evaluated: 2024-07-17. Review status: criteria provided, single submitter. Criteria: Invitae Variant Classification Sherloc (09022015). Collection method: clinical testing. Allele origin: germline.
Comment: This sequence change replaces threonine, which is neutral and polar, with isoleucine, which is neutral and non-polar, at codon 695 of the ARHGAP24 protein (p.Thr695Ile). This variant is present in population databases (rs749791981, gnomAD 0.006%). This variant has not been reported in the literature in individuals affected with ARHGAP24-related conditions. ClinVar contains an entry for this variant (Variation ID: 1923242). An algorithm developed to predict the effect of missense changes on protein structure and function (PolyPhen-2) suggests that this variant is likely to be disruptive. In summary, the available evidence is currently insufficient to determine the role of this variant in disease. Therefore, it has been classified as a Variant of Uncertain Significance.

NM_001025616.3(ARHGAP24):c.2084C>T (p.Thr695Ile)

Gene: ARHGAP24 (Rho GTPase activating protein 24; plus strand). Cytogenetic location: 4q21.3.
Variant type: single nucleotide variant.
Coding change: c.2084C>T on transcript NM_001025616.3 (MANE Select); coding-DNA position 2084, C replaced by T.
Protein change: p.Thr695Ile; replaces threonine 695 with isoleucine.
Molecular consequence: missense variant.
Genome position (GRCh38, 1-based): chr4:86,000,559, C>T. VCF-style: chr4-86000559-C-T. GRCh37 (hg19) VCF-style: chr4-86921712-C-T.
Other names: c.1799C>T, p.Thr600Ile (NM_001042669.2); c.1829C>T, p.Thr610Ile (NM_001287805.2); c.1505C>T, p.Thr502Ile (NM_001346093.2); c.1805C>T, p.Thr602Ile (NM_031305.3); short protein forms T502I, T602I, T610I, T695I, T600I.
Identifiers: ClinVar variation 1923242 (VCV001923242.5), dbSNP rs749791981, ClinGen allele CA100737334.